The following is an entry in ClinVar:

NM_006996.3(SLC19A2):c.1308G>T (p.Thr436=)

Gene: SLC19A2 (solute carrier family 19 member 2; minus strand). Cytogenetic location: 1q24.2.
Variant type: single nucleotide variant.
Coding change: c.1308G>T on transcript NM_006996.3 (MANE Select); coding-DNA position 1308, G replaced by T.
Protein change: p.Thr436=; no amino-acid change (threonine 436 retained).
Molecular consequence: synonymous variant.
Genome position (GRCh38, 1-based): chr1:169,468,168, C>A on the plus strand (G>T on the coding strand, the complement: SLC19A2 is on the minus strand). VCF-style: chr1-169468168-C-A. GRCh37 (hg19) VCF-style: chr1-169437406-C-A.
Other names: c.705G>T, p.Thr235= (NM_001319667.1).
Identifiers: ClinVar variation 2182198 (VCV002182198.29), dbSNP rs375822491, ClinGen allele CA1232855.

ClinVar aggregate classification (germline): Likely benign. Review status: criteria provided, multiple submitters, no conflicts (2 of 4 stars). 3 submissions from 3 submitters: Likely benign (3). Last evaluated 2025-12-13.

gnomAD v4.1: 58 of 1,613,762 alleles (0.0036%); highest among the groups gnomAD compares: Non-Finnish European, 0.0048%; no homozygotes.

Submissions (3):

Labcorp Genetics (formerly Invitae), Labcorp
Classification: Likely benign. Last evaluated: 2025-12-13. Review status: criteria provided, single submitter. Criteria: Invitae Variant Classification Sherloc (09022015). Collection method: clinical testing. Allele origin: germline.

Blueprint Genetics
Classification: Likely benign. Last evaluated: 2024-11-07. Review status: criteria provided, single submitter. Criteria: ACMG Guidelines, 2015. Collection method: clinical testing. Allele origin: germline.

CeGaT Center for Human Genetics Tuebingen
Classification: Likely benign. Last evaluated: 2022-12-01. Review status: criteria provided, single submitter. Criteria: CeGaT Center For Human Genetics Tuebingen Variant Classification Criteria Version 2. Collection method: clinical testing. Allele origin: germline. Affected: yes. Observed: 1 variant allele.
Comment: SLC19A2: BP4, BP7